The following is an entry in ClinVar:

NM_001457.4(FLNB):c.1998C>T (p.Ala666=)

Gene: FLNB (filamin B; plus strand). Cytogenetic location: 3p14.3.
Variant type: single nucleotide variant.
Coding change: c.1998C>T on transcript NM_001457.4 (MANE Select); coding-DNA position 1998, C replaced by T.
Protein change: p.Ala666=; no amino-acid change (alanine 666 retained).
Molecular consequence: synonymous variant.
Genome position (GRCh38, 1-based): chr3:58,108,514, C>T. VCF-style: chr3-58108514-C-T. GRCh37 (hg19) VCF-style: chr3-58094241-C-T.
Other names: c.1998C>T, p.Ala666= (NM_001164318.2, NM_001164319.2, NM_001164317.2).
Identifiers: ClinVar variation 709969 (VCV000709969.39), dbSNP rs143161769, ClinGen allele CA2467993.
Genomic context (GRCh38, chr3:58,108,514, plus strand): 5'-TCAGGTTCGAGCATACGGGCCAGGTTTGGAGAAATCTGGATGCATTGTCAACAACCTGGC[C>T]GAGTTCACTGTGGATCCTAAGGATGCTGGAAAAGCTCCCTTAAAGATATTTGCTCAGGTA-3'
Protein context (NP_001448.2, residues 656-676): EKSGCIVNNL[Ala666=]EFTVDPKDAG

ClinVar aggregate classification (germline): Likely benign. Review status: criteria provided, multiple submitters, no conflicts (2 of 4 stars). 6 submissions from 6 submitters: Likely benign (6). Last evaluated 2026-01-26.

Conditions:
FLNB-Related Spectrum Disorders.

Allele frequency attached by ClinVar (database versions not stated): 1000 Genomes Project 30x 0.00031; 1000 Genomes Project 0.00040; gnomAD exomes 0.00076 and 0.00142; TOPMed 0.00085; gnomAD 0.00086 and 0.00088; ExAC 0.00087; ESP Exome Variant Server 0.00108.
gnomAD v4.1: 2,165 of 1,614,022 alleles (0.13%); highest among the groups gnomAD compares: Non-Finnish European, 0.17%; 3 homozygotes.

Submissions (6):

Labcorp Genetics (formerly Invitae), Labcorp
Classification: Likely benign. Last evaluated: 2026-01-26. Review status: criteria provided, single submitter. Criteria: Invitae Variant Classification Sherloc (09022015). Collection method: clinical testing. Allele origin: germline.

CeGaT Center for Human Genetics Tuebingen
Classification: Likely benign. Last evaluated: 2026-01-01. Review status: criteria provided, single submitter. Criteria: CeGaT Center For Human Genetics Tuebingen Variant Classification Criteria Version 2. Collection method: clinical testing. Allele origin: germline. Affected: yes. Observed: 4 variant alleles.
Comment: FLNB: BP4, BP7

Blueprint Genetics
Classification: Likely benign. Last evaluated: 2024-10-10. Review status: criteria provided, single submitter. Criteria: ACMG Guidelines, 2015. Collection method: clinical testing. Allele origin: germline.

GeneDx
Classification: Likely benign. Last evaluated: 2021-06-10. Review status: criteria provided, single submitter. Criteria: GeneDx Variant Classification Process June 2021. Collection method: clinical testing. Allele origin: germline. Affected: yes.

Illumina Laboratory Services, Illumina
Classification: Likely benign for FLNB-Related Spectrum Disorders. Last evaluated: 2018-01-13. Review status: criteria provided, single submitter. Criteria: ICSL Variant Classification Criteria 13 December 2019. Collection method: clinical testing. Allele origin: germline.
Comment: This variant was observed in the ICSL laboratory as part of a predisposition screen in an ostensibly healthy population. It had not been previously curated by ICSL or reported in the Human Gene Mutation Database (HGMD: prior to June 1st, 2018), and was therefore a candidate for classification through an automated scoring system. Utilizing variant allele frequency, disease prevalence and penetrance estimates, and inheritance mode, an automated score was calculated to assess if this variant is too frequent to cause the disease. Based on the score and internal cut-off values, a variant classified as likely benign is not then subjected to further curation. The score for this variant resulted in a classification of likely benign for this disease.

Breakthrough Genomics
Classification: Likely benign. Review status: criteria provided, single submitter. Criteria: ACMG Guidelines, 2015. Collection method: not provided. Allele origin: germline. Inheritance: Autosomal recessive inheritance. Affected: yes.